The following is an entry in ClinVar:

ClinVar aggregate classification (germline): Uncertain significance. Review status: criteria provided, multiple submitters, no conflicts (2 of 4 stars). 2 submissions from 2 submitters: Uncertain significance (2). Last evaluated 2026-02-17.

Conditions:
SEMA3E-related disorder. Also called: SEMA3E-related condition.
CHARGE syndrome (CHARGE). Also called: Hittner Hirsch Kreh syndrome; CHARGE ASSOCIATION--COLOBOMA, HEART ANOMALY, CHOANAL ATRESIA, RETARDATION, GENITAL AND EAR ANOMALIES; Coloboma, heart anomaly, choanal atresia, retardation, genital and ear anomalies; CHARGE association; Hall-Hittner syndrome. Identifiers: Orphanet 138, MedGen C0265354, MONDO:0008965.

gnomAD v4.1: 3 of 1,613,696 alleles (0.00019%); highest among the groups gnomAD compares: African/African-American, 0.0013%; no homozygotes.

Submissions (2):

PreventionGenetics, part of Exact Sciences
Classification: Uncertain significance for SEMA3E-related condition. Last evaluated: 2026-02-17. Review status: criteria provided, single submitter. Criteria: ACMG Guidelines, 2015. Collection method: clinical testing. Allele origin: germline.
Comment: The SEMA3E c.1597C>T variant is predicted to result in premature protein termination (p.Arg533*). To our knowledge, this variant has not been reported in the literature. This variant is reported in a single heterozygous individual of African descent in gnomAD; however the patient's data at this base did not pass gnomAD's quality filters. Very few early termination variants have been reported in the SEMA3E gene, and early termination changes in this gene are well tolerated on the whole. At this time, the clinical significance of this variant is uncertain due to the absence of conclusive functional and genetic evidence.

Labcorp Genetics (formerly Invitae), Labcorp
Classification: Uncertain significance for CHARGE syndrome. Last evaluated: 2024-07-12. Review status: criteria provided, single submitter. Criteria: Invitae Variant Classification Sherloc (09022015). Collection method: clinical testing. Allele origin: germline.
Comment: This sequence change creates a premature translational stop signal (p.Arg533*) in the SEMA3E gene. It is expected to result in an absent or disrupted protein product. However, the current clinical and genetic evidence is not sufficient to establish whether loss-of-function variants in SEMA3E cause disease. The frequency data for this variant in the population databases is considered unreliable, as metrics indicate poor data quality at this position in the gnomAD database. This variant has not been reported in the literature in individuals affected with SEMA3E-related conditions. In summary, the available evidence is currently insufficient to determine the role of this variant in disease. Therefore, it has been classified as a Variant of Uncertain Significance.

NM_012431.3(SEMA3E):c.1597C>T (p.Arg533Ter)

Gene: SEMA3E (semaphorin 3E; minus strand). Cytogenetic location: 7q21.11.
Variant type: single nucleotide variant.
Coding change: c.1597C>T on transcript NM_012431.3 (MANE Select); coding-DNA position 1597, C replaced by T.
Protein change: p.Arg533Ter; replaces arginine 533 with a stop codon.
Molecular consequence: nonsense.
Genome position (GRCh38, 1-based): chr7:83,392,625, G>A on the plus strand (C>T on the coding strand, the complement: SEMA3E is on the minus strand). VCF-style: chr7-83392625-G-A. GRCh37 (hg19) VCF-style: chr7-83021941-G-A.
Other names: c.1417C>T, p.Arg473Ter (NM_001178129.2); c.1597C>T (NM_012431.2); short protein forms R473*, R533*.
Identifiers: ClinVar variation 3608316 (VCV003608316.3).